The following is an entry in ClinVar:

ClinVar aggregate classification (germline): Uncertain significance (1 of 4 stars; one submission).

Conditions:
Dilated cardiomyopathy 1HH (CMD1HH). Identifiers: Orphanet 154, MedGen C3151293, MONDO:0013479, OMIM 613881.

gnomAD v4.1: 1 of 1,614,106 alleles (0.000062%); highest among the groups gnomAD compares: Non-Finnish European, 0.000085%; no homozygotes.

Submission:

MVZ Medizinische Genetik Mainz
Classification: Uncertain significance for Dilated cardiomyopathy 1HH. Last evaluated: 2026-09-14. Review status: criteria provided, single submitter. Criteria: UK Practice Guidelines For Variant Classification V4 01 2020. Collection method: clinical testing. Allele origin: germline. Inheritance: Autosomal dominant inheritance. Affected: yes. Observed: 1 variant allele.
Comment: ACMG Criteria: PP3_MOD,PM1_SUP,PM2_SUP

NM_004281.4(BAG3):c.1403T>C (p.Val468Ala)

Gene: BAG3 (BAG cochaperone 3; plus strand). Cytogenetic location: 10q26.11.
Variant type: single nucleotide variant.
Coding change: c.1403T>C on transcript NM_004281.4 (MANE Select); coding-DNA position 1403, T replaced by C.
Protein change: p.Val468Ala; replaces valine 468 with alanine.
Molecular consequence: missense variant.
Genome position (GRCh38, 1-based): chr10:119,676,957, T>C. VCF-style: chr10-119676957-T-C. GRCh37 (hg19) VCF-style: chr10-121436469-T-C.
Other names: short protein forms V468A.
Identifiers: ClinVar variation 5010182 (VCV005010182.1).
Genomic context (GRCh38, chr10:119,676,957, plus strand): 5'-ACAAAAAGTACCTGATGATCGAAGAGTATTTGACCAAAGAGCTGCTGGCCCTGGATTCAG[T>C]GGACCCCGAGGGACGAGCCGATGTGCGTCAGGCCAGGAGAGACGGTGTCAGGAAGGTTCA-3'
Protein context (NP_004272.2, residues 458-478): LTKELLALDS[Val468Ala]DPEGRADVRQ